The following is an entry in ClinVar:

NM_005876.5(SPEG):c.8937T>G (p.Val2979=)

Genes: ASIC4-AS1 (ASIC4 antisense RNA 1; minus strand), SPEG (striated muscle enriched protein kinase; plus strand). Cytogenetic location: 2q35.
Variant type: single nucleotide variant.
Coding change: c.8937T>G on transcript NM_005876.5 (MANE Select); coding-DNA position 8937, T replaced by G.
Protein change: p.Val2979=; no amino-acid change (valine 2979 retained).
Molecular consequence: synonymous variant.
Genome position (GRCh38, 1-based): chr2:219,490,424, T>G. VCF-style: chr2-219490424-T-G. GRCh37 (hg19) VCF-style: chr2-220355146-T-G.
Identifiers: ClinVar variation 3345410 (VCV003345410.1).

ClinVar aggregate classification (germline): Likely benign (0 of 4 stars; one submission).

Conditions:
SPEG-related disorder. Also called: SPEG-related condition.

Submission:

PreventionGenetics, part of Exact Sciences
Classification: Likely benign for SPEG-related condition. Last evaluated: 2024-08-26. Review status: no assertion criteria provided. Collection method: clinical testing. Allele origin: germline.
Comment: This variant is classified as likely benign based on ACMG/AMP sequence variant interpretation guidelines (Richards et al. 2015 PMID: 25741868, with internal and published modifications).